The following continues an entry in ClinVar:

NM_000051.4(ATM):c.4402G>A (p.Val1468Ile)

Gene: ATM. ClinVar aggregate classification (germline): Conflicting classifications of pathogenicity. Uncertain significance (11); Likely benign (7).

Submissions 14 to 20 of 20:

Pittsburgh Clinical Genomics Laboratory, University of Pittsburgh Medical Center
Classification: Uncertain significance for Hereditary Breast and Ovarian Cancer Syndrome. Last evaluated: 2018-07-27. Review status: criteria provided, single submitter. Criteria: ACMG Guidelines, 2015. Collection method: clinical testing. Allele origin: germline. Affected: yes. Observed: 1 variant allele.
Comment: This sequence variant is a single nucleotide substitution (G>A) that results in a valine to isoleucine amino acid change at residue 1468 in the ATM protein. This is a previously reported, rare variant in control population datasets (gnomAD database, 28/276692 alleles, 0 homozygotes, 0.01% overall frequency) and has been observed in a single colon cancer patient (PMID 27978560), but no published breast cancer cases, to our knowledge. The Val1468 residue is not located in a domain known to be critical for ATM function, and studies adequately assessing the effect of this variant on protein function have not been identified. The Val1468 residue is highly evolutionarily conserved among mammalian species examined. Bioinformatic tools queried are in disagreement with whether this amino acid change would be damaging. There are multiple entries in ClinVar for this variant, all of which assert a clinical significance that is uncertain. Based upon the evidence, we are in agreement that the clinical significance of this variant is uncertain.

Mendelics
Classification: Uncertain significance for Ataxia-telangiectasia syndrome. Last evaluated: 2018-07-02. Review status: criteria provided, single submitter. Criteria: Mendelics Assertion Criteria 2017. Collection method: clinical testing. Allele origin: unknown.

Baylor Genetics
Classification: Uncertain significance for Ataxia-telangiectasia syndrome. Last evaluated: 2018-04-19. Review status: criteria provided, single submitter. Criteria: ACMG Guidelines, 2015. Collection method: clinical testing. Allele origin: unknown. Affected: yes.
Comment: This variant was determined to be of uncertain significance according to ACMG Guidelines, 2015 [PMID:25741868].

Color Diagnostics, LLC DBA Color Health
Classification: Likely benign for Hereditary cancer-predisposing syndrome. Last evaluated: 2015-11-10. Review status: criteria provided, single submitter. Criteria: ACMG Guidelines, 2015. Collection method: clinical testing. Allele origin: germline.

Eurofins Ntd Llc (ga)
Classification: Uncertain significance. Last evaluated: 2015-05-08. Review status: criteria provided, single submitter. Criteria: EGL Classification Definitions 2015. Collection method: clinical testing. Allele origin: germline. Observed: 1 variant allele, 1 heterozygote.

Natera, Inc.
Classification: Uncertain significance for Ataxia-telangiectasia. Last evaluated: 2020-09-16. Review status: no assertion criteria provided. Collection method: clinical testing. Allele origin: germline. Not counted in ClinVar's aggregate classification.

ITMI
No classification provided. Condition: AllHighlyPenetrant. Last evaluated: 2013-09-19. Review status: no classification provided. Collection method: reference population. Allele origin: germline. Not counted in ClinVar's aggregate classification.
Comment: Please see associated publication for description of ethnicities

Literature cited by the submitters: PubMed 27978560 (cited by 5 submitters); PubMed 35666082 (cited by Women's Health and Genetics/Laboratory Corporation of America, LabCorp); PubMed 36167400 (cited by Women's Health and Genetics/Laboratory Corporation of America, LabCorp); PubMed 25085752 (cited by Myriad Genetics, Inc.); PubMed 24728327 (cited by 4 submitters); PubMed 29684080 (cited by Ambry Genetics and Sema4); PubMed 28873162 (cited by Sema4); PubMed 33471991 (cited by Department of Pathology and Laboratory Medicine, Sinai Health System).